The following is an entry in ClinVar:

NM_130384.3(ATRIP):c.2192C>T (p.Ser731Leu)

Genes: ATRIP (ATR interacting protein; plus strand), ATRIP-TREX1 (ATRIP-TREX1 readthrough; plus strand). Cytogenetic location: 3p21.31.
Variant type: single nucleotide variant.
Coding change: c.2192C>T on transcript NM_130384.3 (MANE Select); coding-DNA position 2192, C replaced by T.
Protein change: p.Ser731Leu; replaces serine 731 with leucine.
Molecular consequence: missense variant. On other transcripts: non-coding transcript variant (1).
Genome position (GRCh38, 1-based): chr3:48,464,967, C>T. VCF-style: chr3-48464967-C-T. GRCh37 (hg19) VCF-style: chr3-48506366-C-T.
Other names: c.1811C>T, p.Ser604Leu (NM_001271022.2); c.1913C>T, p.Ser638Leu (NM_001271023.2); c.2111C>T, p.Ser704Leu (NM_032166.4); c.2192C>T (NM_130384.1); short protein forms S604L, S731L, S704L, S638L.
Identifiers: ClinVar variation 3709569 (VCV003709569.4).

ClinVar aggregate classification (germline): Uncertain significance. Review status: criteria provided, multiple submitters, no conflicts (2 of 4 stars). 3 submissions from 3 submitters: Uncertain significance (3). Last evaluated 2026-06-10.

gnomAD v4.1: 20 of 1,614,118 alleles (0.0012%); highest among the groups gnomAD compares: Middle Eastern, 0.016%; no homozygotes.

Submissions (3):

Women's Health and Genetics/Laboratory Corporation of America, LabCorp
Classification: Uncertain significance. Last evaluated: 2026-06-10. Review status: criteria provided, single submitter. Criteria: LabCorp Variant Classification Summary - May 2015. Collection method: clinical testing. Allele origin: germline.
Comment: Variant summary: ATRIP c.2192C>T (p.Ser731Leu) results in a non-conservative amino acid change in the encoded protein sequence. Algorithms developed to predict the effect of missense changes on protein structure and function are either unavailable or do not agree on the potential impact of this missense change. The variant allele was found at a frequency of 3.2e-05 in 249938 control chromosomes. The available data on variant occurrences in the general population are insufficient to allow any conclusion about variant significance. To our knowledge, no occurrence of c.2192C>T in individuals affected with ATRIP-related conditions and no experimental evidence demonstrating its impact on protein function have been reported. ClinVar contains an entry for this variant (Variation ID: 3709569). Based on the evidence outlined above, the variant was classified as uncertain significance.

Ambry Genetics
Classification: Uncertain significance. Last evaluated: 2025-10-07. Review status: criteria provided, single submitter. Criteria: Ambry Variant Classification Scheme 2023. Collection method: clinical testing. Allele origin: germline.
Comment: The p.S731L variant (also known as c.2192C>T), located in coding exon 12 of the ATRIP gene, results from a C to T substitution at nucleotide position 2192. The serine at codon 731 is replaced by leucine, an amino acid with dissimilar properties. This amino acid position is highly conserved in available vertebrate species. In addition, this alteration is predicted to be tolerated by in silico analysis. The evidence for this gene-disease relationship is limited; therefore, the clinical significance of this alteration is unclear.

Labcorp Genetics (formerly Invitae), Labcorp
Classification: Uncertain significance. Last evaluated: 2024-09-29. Review status: criteria provided, single submitter. Criteria: Invitae Variant Classification Sherloc (09022015). Collection method: clinical testing. Allele origin: germline.
Comment: This sequence change replaces serine, which is neutral and polar, with leucine, which is neutral and non-polar, at codon 731 of the ATRIP protein (p.Ser731Leu). This variant is present in population databases (rs200785749, gnomAD 0.007%). This variant has not been reported in the literature in individuals affected with ATRIP-related conditions. An algorithm developed to predict the effect of missense changes on protein structure and function (PolyPhen-2) suggests that this variant is likely to be tolerated. In summary, the available evidence is currently insufficient to determine the role of this variant in disease. Therefore, it has been classified as a Variant of Uncertain Significance.